The following is an entry in ClinVar:

ClinVar aggregate classification (germline): Likely benign (1 of 4 stars; one submission).

gnomAD v4.1: 2,403 of 1,614,116 alleles (0.15%); highest among the groups gnomAD compares: Non-Finnish European, 0.17%; 4 homozygotes.

Submissions (2):

CeGaT Center for Human Genetics Tuebingen
Classification: Likely benign. Last evaluated: 2026-07-01. Review status: criteria provided, single submitter. Criteria: CeGaT Center For Human Genetics Tuebingen Variant Classification Criteria Version 2. Collection method: clinical testing. Allele origin: germline. Affected: yes. Observed: 3 variant alleles.
Comment: SPTBN1: BS1

Dr. Peter K. Rogan Lab, Western University
No classification provided (evidence only). Condition: Nonpapillary renal cell carcinoma. Review status: no classification provided. Collection method: in vitro. Allele origin: not applicable. Functional consequence: retained intron. Not counted in ClinVar's aggregate classification.

NM_003128.3(SPTBN1):c.1502C>T (p.Ala501Val)

Gene: SPTBN1 (spectrin beta, non-erythrocytic 1; plus strand). Cytogenetic location: 2p16.2.
Variant type: single nucleotide variant.
Coding change: c.1502C>T on transcript NM_003128.3 (MANE Select); coding-DNA position 1502, C replaced by T.
Protein change: p.Ala501Val; replaces alanine 501 with valine.
Molecular consequence: missense variant.
Genome position (GRCh38, 1-based): chr2:54,626,092, C>T. VCF-style: chr2-54626092-C-T. GRCh37 (hg19) VCF-style: chr2-54853229-C-T.
Other names: NC_000002.11:g.54853229C>T; c.1463C>T, p.Ala488Val (NM_178313.3); short protein forms A488V, A501V.
Identifiers: ClinVar variation 3777876 (VCV003777876.8).
Genomic context (GRCh38, chr2:54,626,092, plus strand): 5'-TGGTAGCCGTGGCCAGGGAGCTCGAGGCCGAGAATTACCACGACATCAAGCGCATCACAG[C>T]GAGGAAGGACAATGTCATCCGGCTCTGGGAATACCTACTGGAACTGCTCAGGGCCCGGAG-3'
Protein context (NP_003119.2, residues 491-511): ENYHDIKRIT[Ala501Val]RKDNVIRLWE